The following is an entry in ClinVar:

ClinVar aggregate classification (germline): Likely benign (1 of 4 stars; one submission).

Conditions:
Retinitis pigmentosa (RP). Identifiers: Orphanet 791, MedGen C0035334, MeSH D012174, MONDO:0019200, OMIM 268000. Inheritance: Autosomal dominant, autosomal recessive and X linked inheritance.

Allele frequency attached by ClinVar (database versions not stated): gnomAD below 0.00001 and 0.00021; TOPMed 0.00003; 1000 Genomes Project 30x 0.00141; 1000 Genomes Project 0.00160.
gnomAD v4.1: 646 of 1,373,824 alleles (0.047%); highest among the groups gnomAD compares: South Asian, 0.73%; 8 homozygotes.

Submission:

Illumina Laboratory Services, Illumina
Classification: Likely benign for Retinitis pigmentosa. Last evaluated: 2018-01-13. Review status: criteria provided, single submitter. Criteria: ICSL Variant Classification Criteria 13 December 2019. Collection method: clinical testing. Allele origin: germline.
Comment: This variant was observed in the ICSL laboratory as part of a predisposition screen in an ostensibly healthy population. It had not been previously curated by ICSL or reported in the Human Gene Mutation Database (HGMD: prior to June 1st, 2018), and was therefore a candidate for classification through an automated scoring system. Utilizing variant allele frequency, disease prevalence and penetrance estimates, and inheritance mode, an automated score was calculated to assess if this variant is too frequent to cause the disease. Based on the score and internal cut-off values, a variant classified as likely benign is not then subjected to further curation. The score for this variant resulted in a classification of likely benign for this disease.

NM_152443.3(RDH12):c.*54G>C

Genes: GPHN (gephyrin; plus strand), RDH12 (retinol dehydrogenase 12; plus strand), ZFYVE26 (zinc finger FYVE-type containing 26; minus strand). Cytogenetic location: 14q24.1.
Variant type: single nucleotide variant.
Coding change: c.*54G>C on transcript NM_152443.3 (MANE Select); 54 bases downstream of the stop codon, G replaced by C.
Molecular consequence: 3 prime UTR variant.
Genome position (GRCh38, 1-based): chr14:67,733,902, G>C. VCF-style: chr14-67733902-G-C. GRCh37 (hg19) VCF-style: chr14-68200619-G-C.
Identifiers: ClinVar variation 313845 (VCV000313845.6), dbSNP rs535737403, ClinGen allele CA10645773.